The following is an entry in ClinVar:

NM_017662.5(TRPM6):c.3895dup (p.Ala1299fs)

Gene: TRPM6 (transient receptor potential cation channel subfamily M member 6; minus strand). Cytogenetic location: 9q21.13.
Variant type: Duplication.
Coding change: c.3895dup on transcript NM_017662.5 (MANE Select); coding-DNA position 3895, one base duplicated (G; older notation c.3895dupG).
Protein change: p.Ala1299fs; shifts the reading frame from alanine 1299.
Molecular consequence: frameshift variant.
Genome position (GRCh38, 1-based): chr9:74,762,776, C duplicated on the plus strand (G on the coding strand, the reverse complement: TRPM6 is on the minus strand); the first of 6 consecutive C bases (chr9:74,762,776-74,762,781); duplicating any one gives the same sequence. VCF-style (leftmost placement, unchanged base first): chr9-74762775-G-GC. GRCh37 (hg19) VCF-style: chr9-77377691-G-GC.
Other names: c.3880dup, p.Ala1294fs (NM_001177310.2, NM_001177311.2); short protein forms A1294fs, A1299fs.
Identifiers: ClinVar variation 2671832 (VCV002671832.3), dbSNP rs2489896470, ClinGen allele CA2695201590.
Genomic context (GRCh38, chr9:74,762,775, plus strand): 5'-CTTTCCTGGTCATTTCTTACATTTGTAGCCTCTCTTTTACTGTTTGTAATCTCAAGAAGT[G>GC]CCCCCCTCTGCACTCTTGGGGGATGCCGGCCTCCAGCCAGGCTCCTCAGCAAAGAAGAGG-3'

ClinVar aggregate classification (germline): Likely pathogenic. Review status: criteria provided, multiple submitters, no conflicts (2 of 4 stars). 2 submissions from 2 submitters: Likely pathogenic (2). Last evaluated 2025-04-11.

Conditions:
Intestinal hypomagnesemia 1. Also called: HYPOMAGNESEMIA, INTESTINAL, WITH SECONDARY HYPOCALCEMIA; HYPOMAGNESEMIC TETANY. Identifiers: Orphanet 30924, MedGen C1865974, MONDO:0011176, OMIM 602014.

Submissions (2):

Dasa
Classification: Likely pathogenic. Last evaluated: 2025-04-11. Review status: criteria provided, single submitter. Criteria: DASA Assertion Criteria. Collection method: clinical testing. Allele origin: germline.
Comment: NM_017662.5(TRPM6):c.3895dup (p.Ala1299Glyfs*4) is a frameshift variant in TRPM6 predicted to alter the reading frame and introduce a premature termination codon and is predicted to result in an absent or altered protein product. Loss of function is an established disease mechanism for TRPM6-associated disorders. Also, this variant is absent from population databases. Based on the currently available evidence, this variant is classified as likely pathogenic.

Diagnostics Services (NGS), CSIR - Centre For Cellular And Molecular Biology
Classification: Likely pathogenic for Intestinal hypomagnesemia 1. Last evaluated: 2023-12-11. Review status: criteria provided, single submitter. Criteria: ACMG Guidelines, 2015. Collection method: clinical testing. Allele origin: germline. Affected: yes. Observed: 1 variant allele, 1 homozygote.
Comment: The c.3895dup variant is not present in publicly available population databases like 1000 Genomes, EVS, ExAC, gnomAD, Indian Exome Database or our in-house exome database. This variant has neither been reported in the literature in individuals affected with TRPM6-related conditions nor reported to the clinical databases like Human Genome Mutation Database (HGMD), ClinVar or OMIM, in any affected individuals. In-silico pathogenicity prediction programs like MutationTaster2, CADD, Varsome, Franklin, etc predicted this variant to be likely deleterious. This variant causes frameshift at the 1299th amino acid position of the wild-type transcript that creates a premature translational stop codon in the altered transcript that may either result in translation of a truncated protein or cause nonsense mediated decay of the mRNA.